The following is an entry in ClinVar:

ClinVar aggregate classification (germline): Conflicting classifications of pathogenicity. Review status: criteria provided, conflicting classifications (1 of 4 stars). 4 submissions from 4 submitters: Uncertain significance (1); Likely benign (2). 1 of the submissions does not count toward it. Last evaluated 2025-08-15.

Conditions:
NCF2-related disorder. Also called: NCF2-related condition.
Granulomatous disease, chronic, autosomal recessive, cytochrome b-positive, type 2. Also called: Chronic granulomatous disease due to deficiency of NCF-2; Chronic Granulomatous Disease, Autosomal Recessive, Cytochrome b-Positive, Type II; GRANULOMATOUS DISEASE, CHRONIC, DUE TO NCF2 DEFICIENCY; GRANULOMATOUS DISEASE, CHRONIC, AUTOSOMAL RECESSIVE, 2; CGD, AUTOSOMAL RECESSIVE CYTOCHROME b-POSITIVE, TYPE II. Identifiers: Orphanet 379, MedGen C1856245, MONDO:0009310, OMIM 233710.

Allele frequency attached by ClinVar (database versions not stated): gnomAD 0.00002; TOPMed 0.00003.
gnomAD v4.1: 28 of 1,613,990 alleles (0.0017%); highest among the groups gnomAD compares: Non-Finnish European, 0.0022%; no homozygotes.

Submissions (4):

Labcorp Genetics (formerly Invitae), Labcorp
Classification: Likely benign for Granulomatous disease, chronic, autosomal recessive, cytochrome b-positive, type 2. Last evaluated: 2025-08-15. Review status: criteria provided, single submitter. Criteria: Invitae Variant Classification Sherloc (09022015). Collection method: clinical testing. Allele origin: germline.

Blueprint Genetics
Classification: Likely benign. Last evaluated: 2024-10-02. Review status: criteria provided, single submitter. Criteria: ACMG Guidelines, 2015. Collection method: clinical testing. Allele origin: germline.

Illumina Laboratory Services, Illumina
Classification: Uncertain significance for Granulomatous disease, chronic, autosomal recessive, cytochrome b-positive, type 2. Last evaluated: 2018-01-13. Review status: criteria provided, single submitter. Criteria: ICSL Variant Classification Criteria 13 December 2019. Collection method: clinical testing. Allele origin: germline.

PreventionGenetics, part of Exact Sciences
Classification: Likely benign for NCF2-related condition. Last evaluated: 2023-08-09. Review status: no assertion criteria provided. Collection method: clinical testing. Allele origin: germline. Not counted in ClinVar's aggregate classification.
Comment: This variant is classified as likely benign based on ACMG/AMP sequence variant interpretation guidelines (Richards et al. 2015 PMID: 25741868, with internal and published modifications).

NM_000433.4(NCF2):c.196C>A (p.Arg66=)

Gene: NCF2 (neutrophil cytosolic factor 2; minus strand). Cytogenetic location: 1q25.3.
Variant type: single nucleotide variant.
Coding change: c.196C>A on transcript NM_000433.4 (MANE Select); coding-DNA position 196, C replaced by A.
Protein change: p.Arg66=; no amino-acid change (arginine 66 retained).
Molecular consequence: synonymous variant.
Genome position (GRCh38, 1-based): chr1:183,586,956, G>T on the plus strand (C>A on the coding strand, the complement: NCF2 is on the minus strand). VCF-style: chr1-183586956-G-T. GRCh37 (hg19) VCF-style: chr1-183556091-G-T.
Other names: c.196C>A, p.Arg66= (NM_001127651.3, NM_001190789.2, NM_001190794.2).
Identifiers: ClinVar variation 875336 (VCV000875336.16), dbSNP rs750782115, ClinGen allele CA1285033.
Genomic context (GRCh38, chr1:183,586,956, plus strand): 5'-TCTCTGTCTGGTAGTAGAGCATCCCTCGTTGGAAGTAAGCCACTGCCAAGTGCTTGTCTC[G>T]GTTAATGCTTCTGGTAAAGGCCTGAGGAGAGAAGGGTCCAGACATGGCCATGATGCAAGG-3'
Protein context (NP_000424.2, residues 56-76): AEKAFTRSIN[Arg66=]DKHLAVAYFQ